The following is an entry in ClinVar:

NM_001457.4(FLNB):c.5368C>T (p.Pro1790Ser)

Gene: FLNB (filamin B; plus strand). Cytogenetic location: 3p14.3.
Variant type: single nucleotide variant.
Coding change: c.5368C>T on transcript NM_001457.4 (MANE Select); coding-DNA position 5368, C replaced by T.
Protein change: p.Pro1790Ser; replaces proline 1790 with serine.
Molecular consequence: missense variant.
Genome position (GRCh38, 1-based): chr3:58,143,556, C>T. VCF-style: chr3-58143556-C-T. GRCh37 (hg19) VCF-style: chr3-58129283-C-T.
Other names: c.5461C>T, p.Pro1821Ser (NM_001164317.2); c.5335C>T, p.Pro1779Ser (NM_001164318.2); c.5296C>T, p.Pro1766Ser (NM_001164319.2); short protein forms P1766S, P1779S, P1790S, P1821S.
Identifiers: ClinVar variation 5018671 (VCV005018671.2).
Genomic context (GRCh38, chr3:58,143,556, plus strand): 5'-AAGACAGCCACACCTGAGATTGTGGACAACAAGGACGGCACGGTCACTGTTAGATATGCC[C>T]CCACTGAGGTCGGGCTCCATGAGATGCACATCAAATACATGGGCAGCCACATCCCTGGTA-3'
Protein context (NP_001448.2, residues 1780-1800): KDGTVTVRYA[Pro1790Ser]TEVGLHEMHI

ClinVar aggregate classification (germline): Uncertain significance (1 of 4 stars; one submission).

Conditions:
Spondylocarpotarsal synostosis syndrome (SCT). Also called: Synspondylism congenital; Scoliosis, congenital with unilateral unsegmented bar; SPONDYLOCARPOTARSAL SYNDROME; VERTEBRAL FUSION WITH CARPAL COALITION; Spondylocarpotarsal Synostosis Syndrome (FLNB-SCT). Identifiers: Orphanet 3275, MedGen C1848934, MONDO:0010094, OMIM 272460.
Boomerang dysplasia. Identifiers: Orphanet 1263, MedGen C0432201, MONDO:0007208, OMIM 112310.
Atelosteogenesis type I. Also called: SPONDYLOHUMEROFEMORAL HYPOPLASIA; Atelosteogenesis Type 1 (FLNB-AO1); GIANT CELL CHONDRODYSPLASIA. Identifiers: Orphanet 1190, MedGen C0265283, MONDO:0007167, OMIM 108720.
Atelosteogenesis type III. Also called: Atelosteogenesis Type 3 (FLNB-AO3). Identifiers: Orphanet 56305, MedGen C3668942, MONDO:0007168, OMIM 108721.
Larsen syndrome (LRS). Also called: Bilateral dislocation of the knees, pes cavus, cylindrically shaped fingers and characteristic facies; Larsen syndrome (FLNB-LS). Identifiers: Orphanet 503, MedGen C0175778, MONDO:0007875, OMIM 150250. Disease mechanism: loss of function.

Submission:

Juno Genomics, Hangzhou Juno Genomics, Inc
Classification: Uncertain significance for Spondylocarpotarsal synostosis syndrome; Atelosteogenesis type I; Atelosteogenesis type III; Boomerang dysplasia; Larsen syndrome. Review status: criteria provided, single submitter. Criteria: ACMG Guidelines, 2015. Collection method: clinical testing. Allele origin: germline.
Comment: Absent from controls (or at extremely low frequency if recessive) in Genome Aggregation Database.;Multiple lines of computational evidence support a deleterious effect on the gene or gene product.